The following is an entry in ClinVar:

NM_005198.5(CHKB):c.581+5G>C

Genes: CHKB-CPT1B (CHKB-CPT1B readthrough (NMD candidate); minus strand), CHKB (choline kinase beta; minus strand). Cytogenetic location: 22q13.33.
Variant type: single nucleotide variant.
Coding change: c.581+5G>C on transcript NM_005198.5 (MANE Select); 5 bases into the intron after coding-DNA position 581, G replaced by C.
Molecular consequence: intron variant.
Genome position (GRCh38, 1-based): chr22:50,581,415, C>G on the plus strand (G>C on the coding strand, the complement: CHKB is on the minus strand). VCF-style: chr22-50581415-C-G. GRCh37 (hg19) VCF-style: chr22-51019844-C-G.
Identifiers: ClinVar variation 4854419 (VCV004854419.1).

ClinVar aggregate classification (germline): Uncertain significance (1 of 4 stars; one submission).

Conditions:
Megaconial type congenital muscular dystrophy (MDCMC). Also called: CHKB-Related Muscle Diseases; MUSCULAR DYSTROPHY, CONGENITAL, WITH MITOCHONDRIAL STRUCTURAL ABNORMALITIES; CHKB-Related Muscular Dystrophy. Identifiers: Orphanet 280671, MedGen C1865233, MONDO:0011246, OMIM 602541.

Submission:

3billion
Classification: Uncertain significance for Megaconial type congenital muscular dystrophy. Last evaluated: 2026-01-21. Review status: criteria provided, single submitter. Criteria: ACMG Guidelines, 2015. Collection method: clinical testing. Allele origin: germline. Affected: yes.
Comment: The variant is not observed in the gnomAD v4.1.0 dataset. Predicted Consequence/Location: Intron variant In silico tools predict the variant to alter splicing and produce an abnormal transcript [SpliceAI: 0.97 (>=0.2, moderate evidence for spliceogenicity)]. Therefore, this variant is classified as VUS according to the recommendation of ACMG/AMP guideline.